The following is an entry in ClinVar:

NM_182961.4(SYNE1):c.7165C>T (p.His2389Tyr)

Gene: SYNE1 (spectrin repeat containing nuclear envelope protein 1; minus strand). Cytogenetic location: 6q25.2.
Variant type: single nucleotide variant.
Coding change: c.7165C>T on transcript NM_182961.4 (MANE Select); coding-DNA position 7165, C replaced by T.
Protein change: p.His2389Tyr; replaces histidine 2389 with tyrosine.
Molecular consequence: missense variant.
Genome position (GRCh38, 1-based): chr6:152,399,688, G>A on the plus strand (C>T on the coding strand, the complement: SYNE1 is on the minus strand). VCF-style: chr6-152399688-G-A. GRCh37 (hg19) VCF-style: chr6-152720823-G-A.
Other names: c.7186C>T, p.His2396Tyr (NM_033071.5); short protein forms H2389Y, H2396Y.
Identifiers: ClinVar variation 2189783 (VCV002189783.4), dbSNP rs2097783621, ClinGen allele CA366117739.

ClinVar aggregate classification (germline): Uncertain significance (1 of 4 stars; one submission).

Conditions:
Emery-Dreifuss muscular dystrophy 4, autosomal dominant (EDMD4). Also called: EMERY-DREIFUSS MUSCULAR DYSTROPHY 4 WITH VARIABLE FEATURES. Identifiers: Orphanet 261, MedGen C2751807, MONDO:0013071, OMIM 612998.
Autosomal recessive ataxia, Beauce type. Also called: Spinocerebellar ataxia, autosomal recessive 8; ATAXIA, RECESSIVE, OF BEAUCE; SYNE1-Related Autosomal Recessive Cerebellar Ataxia; SYNE1 Deficiency. Identifiers: Orphanet 88644, MedGen C1853116, MONDO:0012549, OMIM 610743.

Allele frequency attached by ClinVar (database versions not stated): gnomAD exomes below 0.00001.
gnomAD v4.1: 4 of 1,614,098 alleles (0.00025%); highest among the groups gnomAD compares: African/African-American, 0.0027%; no homozygotes.

Submission:

Labcorp Genetics (formerly Invitae), Labcorp
Classification: Uncertain significance for Emery-Dreifuss muscular dystrophy 4, autosomal dominant; Autosomal recessive ataxia, Beauce type. Last evaluated: 2022-03-01. Review status: criteria provided, single submitter. Criteria: Invitae Variant Classification Sherloc (09022015). Collection method: clinical testing. Allele origin: germline.
Comment: In summary, the available evidence is currently insufficient to determine the role of this variant in disease. Therefore, it has been classified as a Variant of Uncertain Significance. Algorithms developed to predict the effect of missense changes on protein structure and function output the following: SIFT: "Tolerated"; PolyPhen-2: "Benign"; Align-GVGD: "Class C0". The tyrosine amino acid residue is found in multiple mammalian species, which suggests that this missense change does not adversely affect protein function. This variant has not been reported in the literature in individuals affected with SYNE1-related conditions. This variant is not present in population databases (gnomAD no frequency). This sequence change replaces histidine, which is basic and polar, with tyrosine, which is neutral and polar, at codon 2396 of the SYNE1 protein (p.His2396Tyr).